The following is an entry in ClinVar:

NM_013372.7(GREM1):c.204G>A (p.Met68Ile)

Gene: GREM1 (gremlin 1, DAN family BMP antagonist; plus strand). Cytogenetic location: 15q13.3.
Variant type: single nucleotide variant.
Coding change: c.204G>A on transcript NM_013372.7 (MANE Select); coding-DNA position 204, G replaced by A.
Protein change: p.Met68Ile; replaces methionine 68 with isoleucine.
Molecular consequence: missense variant. On other transcripts: intron variant (2).
Genome position (GRCh38, 1-based): chr15:32,730,894, G>A. VCF-style: chr15-32730894-G-A. GRCh37 (hg19) VCF-style: chr15-33023095-G-A.
Other names: c.204G>A, p.Met68Ile (NM_001368719.1); c.115-34G>A (NM_001191323.2); c.28-34G>A (NM_001191322.2); short protein forms M68I.
Identifiers: ClinVar variation 3522515 (VCV003522515.1).

ClinVar aggregate classification (germline): Uncertain significance (1 of 4 stars; one submission).

Conditions:
Hereditary cancer-predisposing syndrome. Also called: Hereditary Cancer Syndrome; Hereditary neoplastic syndrome; Tumor predisposition; Neoplastic Syndromes, Hereditary. Identifiers: Orphanet 140162, MedGen C0027672, MeSH D009386, MONDO:0015356.

Submission:

Ambry Genetics
Classification: Uncertain significance for Hereditary cancer-predisposing syndrome. Last evaluated: 2024-10-04. Review status: criteria provided, single submitter. Criteria: Ambry Variant Classification Scheme 2023. Collection method: clinical testing. Allele origin: germline.
Comment: The p.M68I variant (also known as c.204G>A), located in coding exon 1 of the GREM1 gene, results from a G to A substitution at nucleotide position 204. The methionine at codon 68 is replaced by isoleucine, an amino acid with highly similar properties. This amino acid position is conserved. In addition, this alteration is predicted to be tolerated by in silico analysis. Based on the available evidence, the clinical significance of this variant remains unclear.